The following is an entry in ClinVar:

NM_030665.4(RAI1):c.5069G>C (p.Cys1690Ser)

Gene: RAI1 (retinoic acid induced 1; plus strand). Cytogenetic location: 17p11.2.
Variant type: single nucleotide variant.
Coding change: c.5069G>C on transcript NM_030665.4 (MANE Select); coding-DNA position 5069, G replaced by C.
Protein change: p.Cys1690Ser; replaces cysteine 1690 with serine.
Molecular consequence: missense variant.
Genome position (GRCh38, 1-based): chr17:17,798,017, G>C. VCF-style: chr17-17798017-G-C. GRCh37 (hg19) VCF-style: chr17-17701331-G-C.
Other names: short protein forms C1690S.
Identifiers: ClinVar variation 5002616 (VCV005002616.1).
Genomic context (GRCh38, chr17:17,798,017, plus strand): 5'-TGCACTTGGGGCCTGTGGTTTCCAAGGCCCTGAGTACCTCTTGCCTTGTTTGCTGCCTCT[G>C]CCAAAACCCGGCCAACTTCAAGGACCTTGGGGACCTCTGTGGGCCCTACTACCCTGAACA-3'
Protein context (NP_109590.3, residues 1680-1700): LSTSCLVCCL[Cys1690Ser]QNPANFKDLG

ClinVar aggregate classification (germline): Uncertain significance (1 of 4 stars; one submission).

Conditions:
RAI1-related disorder. Also called: RAI1-related condition.

Submission:

PreventionGenetics, part of Exact Sciences
Classification: Uncertain significance for RAI1-related condition. Last evaluated: 2025-05-12. Review status: criteria provided, single submitter. Criteria: ACMG Guidelines, 2015. Collection method: clinical testing. Allele origin: germline.
Comment: The RAI1 c.5069G>C variant is predicted to result in the amino acid substitution p.Cys1690Ser. To our knowledge, this variant has not been reported in the literature or in a large population database (gnomAD), indicating this variant is rare. An alternate nucleotide substitution affecting the same amino acid (c.5069G>A, p.Cys1690Tyr) has been reported in an individual with developmental disorder (Zhou et al. 2014. PubMed ID: 24552284). At this time, the clinical significance of this variant is uncertain due to the absence of conclusive functional and genetic evidence.